The following is an entry in ClinVar:

NM_000384.3(APOB):c.4840C>T (p.Leu1614=)

Gene: APOB (apolipoprotein B; minus strand). Cytogenetic location: 2p24.1.
Variant type: single nucleotide variant.
Coding change: c.4840C>T on transcript NM_000384.3 (MANE Select); coding-DNA position 4840, C replaced by T.
Protein change: p.Leu1614=; no amino-acid change (leucine 1614 retained).
Molecular consequence: synonymous variant.
Genome position (GRCh38, 1-based): chr2:21,012,028, G>A on the plus strand (C>T on the coding strand, the complement: APOB is on the minus strand). VCF-style: chr2-21012028-G-A. GRCh37 (hg19) VCF-style: chr2-21234900-G-A.
Identifiers: ClinVar variation 5041789 (VCV005041789.1).

ClinVar aggregate classification (germline): Likely benign (1 of 4 stars; one submission).

Submission:

CeGaT Center for Human Genetics Tuebingen
Classification: Likely benign. Last evaluated: 2026-10-01. Review status: criteria provided, single submitter. Criteria: CeGaT Center For Human Genetics Tuebingen Variant Classification Criteria Version 2. Collection method: clinical testing. Allele origin: germline. Affected: yes. Observed: 1 variant allele.
Comment: APOB: PM2:Supporting, BP4, BP7